The following is an entry in ClinVar:

ClinVar aggregate classification (germline): Uncertain significance (1 of 4 stars; one submission).

Allele frequency attached by ClinVar (database versions not stated): gnomAD exomes below 0.00001.
gnomAD v4.1: 1 of 1,613,950 alleles (0.000062%); highest among the groups gnomAD compares: East Asian, 0.0022%; no homozygotes.

Submission:

GeneDx
Classification: Uncertain significance. Last evaluated: 2017-10-27. Review status: criteria provided, single submitter. Criteria: GeneDx Variant Classification (06012015). Collection method: clinical testing. Allele origin: germline. Affected: yes.
Comment: The M212V variant in the PRPF31 gene has not been reported previously as a pathogenic variant, nor as a benign variant, to our knowledge. The M212V variant is not observed in large population cohorts (Lek et al., 2016). The M212V variant is a conservative amino acid substitution, which is not likely to impact secondary protein structure as these residues share similar properties. This substitution occurs at a position that is conserved across species. In silico analysis predicts this variant is probably damaging to the protein structure/function. We interpret M212V as a variant of uncertain significance.

NM_015629.4(PRPF31):c.634A>G (p.Met212Val)

Gene: PRPF31 (pre-mRNA processing factor 31; plus strand). Cytogenetic location: 19q13.42.
Variant type: single nucleotide variant.
Coding change: c.634A>G on transcript NM_015629.4 (MANE Select); coding-DNA position 634, A replaced by G.
Protein change: p.Met212Val; replaces methionine 212 with valine.
Molecular consequence: missense variant.
Genome position (GRCh38, 1-based): chr19:54,123,855, A>G. VCF-style: chr19-54123855-A-G. GRCh37 (hg19) VCF-style: chr19-54627234-A-G.
Other names: short protein forms M212V.
Identifiers: ClinVar variation 452979 (VCV000452979.2), dbSNP rs1555792899, ClinGen allele CA407750775.